The following is an entry in ClinVar:

NM_000520.6(HEXA):c.1156G>A (p.Asp386Asn)

Gene: HEXA (hexosaminidase subunit alpha; minus strand). Cytogenetic location: 15q23.
Variant type: single nucleotide variant.
Coding change: c.1156G>A on transcript NM_000520.6 (MANE Select); coding-DNA position 1156, G replaced by A.
Protein change: p.Asp386Asn; replaces aspartic acid 386 with asparagine.
Molecular consequence: missense variant.
Genome position (GRCh38, 1-based): chr15:72,346,701, C>T on the plus strand (G>A on the coding strand, the complement: HEXA is on the minus strand). VCF-style: chr15-72346701-C-T. GRCh37 (hg19) VCF-style: chr15-72639042-C-T.
Other names: c.1189G>A, p.Asp397Asn (NM_001318825.2); short protein forms D386N, D397N.
Identifiers: ClinVar variation 5017743 (VCV005017743.1).

ClinVar aggregate classification (germline): Uncertain significance (1 of 4 stars; one submission).

Submission:

GeneDx
Classification: Uncertain significance. Last evaluated: 2026-04-03. Review status: criteria provided, single submitter. Criteria: GeneDx Variant Classification Process June 2021. Collection method: clinical testing. Allele origin: germline.
Comment: Not observed at significant frequency in large population cohorts (gnomAD); In silico analysis supports that this missense variant has a deleterious effect on protein structure/function; Has not been previously published as pathogenic or benign to our knowledge; In silico analysis suggests this variant may impact gene splicing. In the absence of RNA/functional studies, the actual effect of this sequence change is unknown.